The following is an entry in ClinVar:

ClinVar aggregate classification (germline): Pathogenic (1 of 4 stars; one submission).

Conditions:
LAMA2-related muscular dystrophy (LAMA2-RD). Also called: Laminin alpha 2-related dystrophy. Identifiers: MedGen C5679788, MONDO:0100228.

Submission:

Labcorp Genetics (formerly Invitae), Labcorp
Classification: Pathogenic for LAMA2-related muscular dystrophy. Last evaluated: 2023-03-21. Review status: criteria provided, single submitter. Criteria: Invitae Variant Classification Sherloc (09022015). Collection method: clinical testing. Allele origin: unknown.
Comment: For these reasons, this variant has been classified as Pathogenic. A similar copy number variant has been observed in individual(s) with LAMA2-related muscular dystrophy (PMID: 31694722). This variant results in a copy number gain of the genomic region encompassing exon(s) 30 of the LAMA2 gene. While the exact position of this variant cannot be determined from the data, sub-genic copy number gains are generally in tandem (PMID: 25640679). This variant is predicted to be out-of-frame, and may result in an absent or disrupted protein product. Loss-of-function variants in LAMA2 are known to be pathogenic (PMID: 18700894, 32904964).

Literature cited by the submitters: PubMed 31694722; PubMed 25640679; PubMed 18700894; PubMed 32904964.

NC_000006.11:g.(?_129663478)_(129663622_?)dup

Gene: LAMA2 (laminin subunit alpha 2; plus strand). Cytogenetic location: 6q22.33.
Variant type: Duplication.
Identifiers: ClinVar variation 3246065 (VCV003246065.1).